The following is an entry in ClinVar:

ClinVar aggregate classification (germline): Uncertain significance (1 of 4 stars; one submission).

Submission:

Labcorp Genetics (formerly Invitae), Labcorp
Classification: Uncertain significance. Last evaluated: 2023-06-01. Review status: criteria provided, single submitter. Criteria: Invitae Variant Classification Sherloc (09022015). Collection method: clinical testing. Allele origin: germline.
Comment: In summary, the available evidence is currently insufficient to determine the role of this variant in disease. Therefore, it has been classified as a Variant of Uncertain Significance. Advanced modeling of protein sequence and biophysical properties (such as structural, functional, and spatial information, amino acid conservation, physicochemical variation, residue mobility, and thermodynamic stability) performed at Invitae indicates that this missense variant is not expected to disrupt HPS6 protein function. This variant has not been reported in the literature in individuals affected with HPS6-related conditions. This variant is not present in population databases (gnomAD no frequency). This sequence change replaces alanine, which is neutral and non-polar, with glycine, which is neutral and non-polar, at codon 539 of the HPS6 protein (p.Ala539Gly).

NM_024747.6(HPS6):c.1616C>G (p.Ala539Gly)

Gene: HPS6 (HPS6 biogenesis of lysosomal organelles complex 2 subunit 3; plus strand). Cytogenetic location: 10q24.32.
Variant type: single nucleotide variant.
Coding change: c.1616C>G on transcript NM_024747.6 (MANE Select); coding-DNA position 1616, C replaced by G.
Protein change: p.Ala539Gly; replaces alanine 539 with glycine.
Molecular consequence: missense variant.
Genome position (GRCh38, 1-based): chr10:102,067,090, C>G. VCF-style: chr10-102067090-C-G. GRCh37 (hg19) VCF-style: chr10-103826847-C-G.
Other names: short protein forms A539G.
Identifiers: ClinVar variation 2851459 (VCV002851459.3), dbSNP rs2540988277, ClinGen allele CA377869900.